The following is an entry in ClinVar:

ClinVar aggregate classification (germline): Likely pathogenic (1 of 4 stars; one submission).

Allele frequency attached by ClinVar (database versions not stated): TOPMed below 0.00001; gnomAD exomes 0.00001.
gnomAD v4.1: 18 of 1,610,634 alleles (0.0011%); highest among the groups gnomAD compares: Non-Finnish European, 0.0015%; no homozygotes.

Submission:

Labcorp Genetics (formerly Invitae), Labcorp
Classification: Likely pathogenic. Last evaluated: 2022-10-14. Review status: criteria provided, single submitter. Criteria: Invitae Variant Classification Sherloc (09022015). Collection method: clinical testing. Allele origin: germline.
Comment: In summary, the currently available evidence indicates that the variant is pathogenic, but additional data are needed to prove that conclusively. Therefore, this variant has been classified as Likely Pathogenic. Algorithms developed to predict the effect of sequence changes on RNA splicing suggest that this variant may disrupt the consensus splice site. This variant has not been reported in the literature in individuals affected with NUP93-related conditions. This variant is not present in population databases (gnomAD no frequency). This sequence change affects a donor splice site in intron 2 of the NUP93 gene. It is expected to disrupt RNA splicing. Variants that disrupt the donor or acceptor splice site typically lead to a loss of protein function (PMID: 16199547), and loss-of-function variants in NUP93 are known to be pathogenic (PMID: 26878725, 31315584).

Literature cited by the submitters: PubMed 16199547; PubMed 26878725; PubMed 31315584.

NM_014669.5(NUP93):c.179+1G>A

Gene: NUP93 (nucleoporin 93; plus strand). Cytogenetic location: 16q13.
Variant type: single nucleotide variant.
Coding change: c.179+1G>A on transcript NM_014669.5 (MANE Select); the canonical splice donor site of the intron after coding-DNA position 179, G replaced by A.
Molecular consequence: splice donor variant.
Genome position (GRCh38, 1-based): chr16:56,748,427, G>A. VCF-style: chr16-56748427-G-A. GRCh37 (hg19) VCF-style: chr16-56782339-G-A.
Identifiers: ClinVar variation 1961556 (VCV001961556.5), dbSNP rs1233809089, ClinGen allele CA395966721.
Genomic context (GRCh38, chr16:56,748,427, plus strand): 5'-AGAGCGCCTGCGTTCCCGTACCCTAACACGCACGTCCCAGGAGACGGCAGATGTCAAGGC[G>A]TGAGTACTGGTAGGGAGACAGCATTAGTACTGGGTGGCTTGCGGGCAGGATCTGTTTCTT-3'